The following is an entry in ClinVar:

ClinVar aggregate classification (germline): Uncertain significance (1 of 4 stars; one submission).

Submission:

Labcorp Genetics (formerly Invitae), Labcorp
Classification: Uncertain significance. Last evaluated: 2023-04-24. Review status: criteria provided, single submitter. Criteria: Invitae Variant Classification Sherloc (09022015). Collection method: clinical testing. Allele origin: germline.
Comment: In summary, the available evidence is currently insufficient to determine the role of this variant in disease. Therefore, it has been classified as a Variant of Uncertain Significance. Algorithms developed to predict the effect of sequence changes on RNA splicing suggest that this variant may disrupt the consensus splice site. ClinVar contains an entry for this variant (Variation ID: 2114807). This variant has not been reported in the literature in individuals affected with USH2A-related conditions. This variant is not present in population databases (gnomAD no frequency). This sequence change falls in intron 8 of the USH2A gene. It does not directly change the encoded amino acid sequence of the USH2A protein.

NM_206933.4(USH2A):c.1551-15T>A

Gene: USH2A (usherin; minus strand). Cytogenetic location: 1q41.
Variant type: single nucleotide variant.
Coding change: c.1551-15T>A on transcript NM_206933.4 (MANE Select); 15 bases into the intron before coding-DNA position 1551, T replaced by A.
Molecular consequence: intron variant.
Genome position (GRCh38, 1-based): chr1:216,321,991, A>T on the plus strand (T>A on the coding strand, the complement: USH2A is on the minus strand). VCF-style: chr1-216321991-A-T. GRCh37 (hg19) VCF-style: chr1-216495333-A-T.
Other names: c.1551-15T>A (NM_007123.6).
Identifiers: ClinVar variation 2114807 (VCV002114807.4), dbSNP rs2037623130, ClinGen allele CA2580062212.